The following is an entry in ClinVar:

ClinVar aggregate classification (germline): Likely benign (1 of 4 stars; one submission).

Submission:

GeneDx
Classification: Likely benign. Last evaluated: 2018-01-26. Review status: criteria provided, single submitter. Criteria: GeneDx Variant Classification (06012015). Collection method: clinical testing. Allele origin: germline. Affected: yes.
Comment: This variant is considered likely benign or benign based on one or more of the following criteria: it is a conservative change, it occurs at a poorly conserved position in the protein, it is predicted to be benign by multiple in silico algorithms, and/or has population frequency not consistent with disease.

NM_015443.4(KANSL1):c.1230G>T (p.Glu410Asp)

Gene: KANSL1 (KAT8 regulatory NSL complex subunit 1). Cytogenetic location: 17q21.31.
Variant type: single nucleotide variant.
Coding change: c.1230G>T on transcript NM_015443.4 (MANE Select); coding-DNA position 1230, G replaced by T.
Protein change: p.Glu410Asp; replaces glutamic acid 410 with aspartic acid.
Molecular consequence: missense variant.
Genome position (GRCh38, 1-based): chr17:46,170,914, C>A on the plus strand (G>T on the coding strand, the complement: KANSL1 is on the minus strand). VCF-style: chr17-46170914-C-A. GRCh37 (hg19) VCF-style: chr17-44248280-C-A.
Other names: c.1230G>T, p.Glu410Asp (NM_001193465.2, NM_001193466.2, NM_001379198.1); short protein forms E410D.
Identifiers: ClinVar variation 515038 (VCV000515038.1), dbSNP rs777308407, ClinGen allele CA399978666.